The following is an entry in ClinVar:

NM_004343.4(CALR):c.1182TGAGGAGGA[1] (p.395EED[1])

Gene: CALR (calreticulin; plus strand). Cytogenetic location: 19p13.13.
Variant type: Microsatellite.
Coding change: c.1182TGAGGAGGA[1] on transcript NM_004343.4 (MANE Select); one copy of the 9-base unit TGAGGAGGA starting at c.1182; the reference has two copies in a row; one copy, 9 bases deleted; also written c.1191_1199del.
Protein change: p.395EED[1].
Molecular consequence: inframe deletion.
Genome position (GRCh38, 1-based): chr19:12,943,850-12,943,858, TGAGGAGGA deleted; deleting any 9 consecutive bases within chr19:12,943,836-12,943,858 gives the same sequence; the position shown is the placement nearest the transcript's 3' end. VCF-style (leftmost placement, unchanged base first): chr19-12943835-TGAGGATGAG-T. GRCh37 (hg19) VCF-style: chr19-13054649-TGAGGATGAG-T.
Other names: c.1191_1199del (NM_004343.4).
Identifiers: ClinVar variation 3388448 (VCV003388448.15).

ClinVar aggregate classification (germline): Likely benign. Review status: criteria provided, multiple submitters, no conflicts (2 of 4 stars). 2 submissions from 2 submitters: Likely benign (2). Last evaluated 2026-09-23.

Conditions:
Myeloproliferative neoplasm. Identifiers: Orphanet 98274, MedGen C1292778, MONDO:0020076.

Submissions (2):

Dept of Medical Biology, Uskudar University
Classification: Likely benign for Myeloproliferative neoplasm. Last evaluated: 2026-09-23. Review status: criteria provided, single submitter. Criteria: Dept of Medical Biology Variant Classification. Collection method: research. Allele origin: germline. Affected: yes. Observed: 1 variant allele.
Comment: BS1: allele frequency 1.3e-02 in the African population and 4.9e-04 in exomes in gnomAD v4.1 (multi-allelic repeat locus). BP3: in-frame deletion of three residues in the repetitive acidic region of exon 9; no frameshift. ClinVar VCV001049876 refers to a different allele (insertion) at this locus. BS1 was applied at full strength where the gnomAD v4.1 grpmax filtering allele frequency exceeds 2.5e-04 (PMID:28518168) and at supporting strength where only the unfiltered population frequency does. Classified as likely benign under the ACMG/AMP 2015 guidelines (PMID:25741868). Detected in a retrospective series of 256 BCR::ABL1-negative and JAK2 V617F-negative patients referred for molecular investigation of a suspected myeloproliferative neoplasm (May 2007 to January 2015) and re-interpreted under the ACMG/AMP 2015 criteria.

CeGaT Center for Human Genetics Tuebingen
Classification: Likely benign. Last evaluated: 2024-10-01. Review status: criteria provided, single submitter. Criteria: CeGaT Center For Human Genetics Tuebingen Variant Classification Criteria Version 2. Collection method: clinical testing. Allele origin: germline. Affected: yes. Observed: 1 variant allele.
Comment: CALR: BS1